The following is an entry in ClinVar:

ClinVar aggregate classification (germline): Benign/Likely benign. Review status: criteria provided, multiple submitters, no conflicts (2 of 4 stars). 3 submissions from 3 submitters: Benign (1); Likely benign (2). Last evaluated 2026-02-01.

Allele frequency attached by ClinVar (database versions not stated): TOPMed 0.00002.
gnomAD v4.1: 34 of 1,211,660 alleles (0.0028%); highest among the groups gnomAD compares: Non-Finnish European, 0.0036%; no homozygotes.

Submissions (3):

CeGaT Center for Human Genetics Tuebingen
Classification: Likely benign. Last evaluated: 2026-02-01. Review status: criteria provided, single submitter. Criteria: CeGaT Center For Human Genetics Tuebingen Variant Classification Criteria Version 2. Collection method: clinical testing. Allele origin: germline. Affected: yes. Observed: 1 variant allele.
Comment: NEXMIF: BP4, BS2

Ambry Genetics
Classification: Likely benign. Last evaluated: 2025-03-31. Review status: criteria provided, single submitter. Criteria: Ambry Variant Classification Scheme 2023. Collection method: clinical testing. Allele origin: germline.

Labcorp Genetics (formerly Invitae), Labcorp
Classification: Benign. Last evaluated: 2024-01-17. Review status: criteria provided, single submitter. Criteria: Invitae Variant Classification Sherloc (09022015). Collection method: clinical testing. Allele origin: germline.

NM_001008537.3(NEXMIF):c.2795C>G (p.Thr932Arg)

Gene: NEXMIF (neurite extension and migration factor; minus strand). Cytogenetic location: Xq13.3.
Variant type: single nucleotide variant.
Coding change: c.2795C>G on transcript NM_001008537.3 (MANE Select); coding-DNA position 2795, C replaced by G.
Protein change: p.Thr932Arg; replaces threonine 932 with arginine.
Molecular consequence: missense variant.
Genome position (GRCh38, 1-based): chrX:74,741,762, G>C on the plus strand (C>G on the coding strand, the complement: NEXMIF is on the minus strand). VCF-style: chrX-74741762-G-C. GRCh37 (hg19) VCF-style: chrX-73961597-G-C.
Other names: short protein forms T932R.
Identifiers: ClinVar variation 474065 (VCV000474065.14), dbSNP rs375607660, ClinGen allele CA10455009.